The following is an entry in ClinVar:

NM_145020.5(CFAP53):c.1243C>A (p.Arg415Ser)

Gene: CFAP53 (cilia and flagella associated protein 53; minus strand). Cytogenetic location: 18q21.1.
Variant type: single nucleotide variant.
Coding change: c.1243C>A on transcript NM_145020.5 (MANE Select); coding-DNA position 1243, C replaced by A.
Protein change: p.Arg415Ser; replaces arginine 415 with serine.
Molecular consequence: missense variant.
Genome position (GRCh38, 1-based): chr18:50,238,676, G>T on the plus strand (C>A on the coding strand, the complement: CFAP53 is on the minus strand). VCF-style: chr18-50238676-G-T. GRCh37 (hg19) VCF-style: chr18-47765046-G-T.
Other names: c.1243C>A (NM_145020.3); short protein forms R415S.
Identifiers: ClinVar variation 2648715 (VCV002648715.25), dbSNP rs377709493, ClinGen allele CA8962150.

ClinVar aggregate classification (germline): Conflicting classifications of pathogenicity. Review status: criteria provided, conflicting classifications (1 of 4 stars). 2 submissions from 2 submitters: Uncertain significance (1); Likely benign (1). Last evaluated 2023-10-10.

Conditions:
Inborn genetic diseases. Identifiers: MedGen C0950123, MeSH D030342.

gnomAD v4.1: 320 of 1,610,594 alleles (0.02%); highest among the groups gnomAD compares: Middle Eastern, 0.17%; 2 homozygotes.

Submissions (2):

Ambry Genetics
Classification: Uncertain significance for Inborn genetic diseases. Last evaluated: 2023-10-10. Review status: criteria provided, single submitter. Criteria: Ambry Variant Classification Scheme 2023. Collection method: clinical testing. Allele origin: germline.

CeGaT Center for Human Genetics Tuebingen
Classification: Likely benign. Last evaluated: 2023-10-01. Review status: criteria provided, single submitter. Criteria: CeGaT Center For Human Genetics Tuebingen Variant Classification Criteria Version 2. Collection method: clinical testing. Allele origin: germline. Affected: yes. Observed: 1 variant allele.
Comment: CFAP53: BP4